The following is an entry in ClinVar:

ClinVar aggregate classification (germline): Uncertain significance. Review status: criteria provided, single submitter (1 of 4 stars). 2 submissions from 2 submitters: Uncertain significance (1). 1 of the submissions does not count toward it. Last evaluated 2019-11-04.

Conditions:
Bardet-Biedl syndrome (BBS). Identifiers: Orphanet 110, MedGen C0752166, MONDO:0015229.
WDPCP-related disorder. Also called: WDPCP-related condition.

gnomAD v4.1: 1 of 1,613,608 alleles (0.000062%); highest among the groups gnomAD compares: Non-Finnish European, 0.000085%; no homozygotes.

Submissions (2):

Labcorp Genetics (formerly Invitae), Labcorp
Classification: Uncertain significance for Bardet-Biedl syndrome. Last evaluated: 2019-11-04. Review status: criteria provided, single submitter. Criteria: Invitae Variant Classification Sherloc (09022015). Collection method: clinical testing. Allele origin: germline.
Comment: In summary, the available evidence is currently insufficient to determine the role of this variant in disease. Therefore, it has been classified as a Variant of Uncertain Significance. This sequence change replaces arginine with glycine at codon 600 of the WDPCP protein (p.Arg600Gly). The arginine residue is highly conserved and there is a moderate physicochemical difference between arginine and glycine. This variant is not present in population databases (ExAC no frequency). This variant has not been reported in the literature in individuals with WDPCP-related conditions. Algorithms developed to predict the effect of missense changes on protein structure and function are either unavailable or do not agree on the potential impact of this missense change (SIFT: "Tolerated"; PolyPhen-2: "Probably Damaging"; Align-GVGD: "Class C25").

PreventionGenetics, part of Exact Sciences
Classification: Uncertain significance for WDPCP-related condition. Last evaluated: 2023-11-01. Review status: no assertion criteria provided. Collection method: clinical testing. Allele origin: germline. Not counted in ClinVar's aggregate classification.
Comment: The WDPCP c.1798C>G variant is predicted to result in the amino acid substitution p.Arg600Gly. To our knowledge, this variant has not been reported in the literature or in a large population database, indicating this variant is rare. At this time, the clinical significance of this variant is uncertain due to the absence of conclusive functional and genetic evidence.

NM_015910.7(WDPCP):c.1798C>G (p.Arg600Gly)

Gene: WDPCP (WD repeat containing planar cell polarity effector; minus strand). Cytogenetic location: 2p15.
Variant type: single nucleotide variant.
Coding change: c.1798C>G on transcript NM_015910.7 (MANE Select); coding-DNA position 1798, C replaced by G.
Protein change: p.Arg600Gly; replaces arginine 600 with glycine.
Molecular consequence: missense variant. On other transcripts: non-coding transcript variant (3).
Genome position (GRCh38, 1-based): chr2:63,313,262, G>C on the plus strand (C>G on the coding strand, the complement: WDPCP is on the minus strand). VCF-style: chr2-63313262-G-C. GRCh37 (hg19) VCF-style: chr2-63540397-G-C.
Other names: c.1321C>G, p.Arg441Gly (NM_001042692.3); c.1726C>G, p.Arg576Gly (NM_001354044.2); short protein forms R600G, R441G, R576G.
Identifiers: ClinVar variation 961048 (VCV000961048.11), dbSNP rs747517141, ClinGen allele CA347063940.